The following is an entry in ClinVar:

ClinVar aggregate classification (germline): Uncertain significance. Review status: criteria provided, multiple submitters, no conflicts (2 of 4 stars). 2 submissions from 2 submitters: Uncertain significance (2). Last evaluated 2022-08-15.

Conditions:
Tyrosinemia type I (TYRSN1). Also called: Tyrosinemia type 1; Fumarylacetoacetase deficiency; Deficiency of fumarylacetoacetase; FAH DEFICIENCY; HEPATORENAL TYROSINEMIA. Identifiers: Orphanet 882, MedGen C0268490, MONDO:0010161, OMIM 276700. Disease mechanism: loss of function.

Allele frequency attached by ClinVar (database versions not stated): gnomAD exomes 0.00001; TOPMed 0.00002; gnomAD 0.00003 and 0.00004.
gnomAD v4.1: 60 of 1,614,002 alleles (0.0037%); highest among the groups gnomAD compares: Non-Finnish European, 0.0046%; no homozygotes.

Submissions (2):

Labcorp Genetics (formerly Invitae), Labcorp
Classification: Uncertain significance for Tyrosinemia type I. Last evaluated: 2022-08-15. Review status: criteria provided, single submitter. Criteria: Invitae Variant Classification Sherloc (09022015). Collection method: clinical testing. Allele origin: germline.
Comment: This sequence change replaces arginine, which is basic and polar, with cysteine, which is neutral and slightly polar, at codon 162 of the FAH protein (p.Arg162Cys). This variant is present in population databases (no rsID available, gnomAD 0.002%). This variant has not been reported in the literature in individuals affected with FAH-related conditions. ClinVar contains an entry for this variant (Variation ID: 887285). Advanced modeling of protein sequence and biophysical properties (such as structural, functional, and spatial information, amino acid conservation, physicochemical variation, residue mobility, and thermodynamic stability) performed at Invitae indicates that this missense variant is expected to disrupt FAH protein function. In summary, the available evidence is currently insufficient to determine the role of this variant in disease. Therefore, it has been classified as a Variant of Uncertain Significance.

Illumina Laboratory Services, Illumina
Classification: Uncertain significance for Tyrosinemia type I. Last evaluated: 2018-01-13. Review status: criteria provided, single submitter. Criteria: ICSL Variant Classification Criteria 13 December 2019. Collection method: clinical testing. Allele origin: germline.

NM_000137.4(FAH):c.484C>T (p.Arg162Cys)

Gene: FAH (fumarylacetoacetate hydrolase; plus strand). Cytogenetic location: 15q25.1.
Variant type: single nucleotide variant.
Coding change: c.484C>T on transcript NM_000137.4 (MANE Select); coding-DNA position 484, C replaced by T.
Protein change: p.Arg162Cys; replaces arginine 162 with cysteine.
Molecular consequence: missense variant.
Genome position (GRCh38, 1-based): chr15:80,168,080, C>T. VCF-style: chr15-80168080-C-T. GRCh37 (hg19) VCF-style: chr15-80460422-C-T.
Other names: c.484C>T, p.Arg162Cys (NM_001374377.1, NM_001374380.1); short protein forms R162C.
Identifiers: ClinVar variation 887285 (VCV000887285.5), dbSNP rs959533704, ClinGen allele CA274025981.
Genomic context (GRCh38, chr15:80,168,080, plus strand): 5'-ATGCCCTGCATTCTCTTGCCTTCCTTTCTCAGGCTGCACTTACCAGTGGGCTACCATGGC[C>T]GTGCCTCCTCTGTCGTGGTGTCTGGCACCCCAATCCGAAGGCCCATGGGACAGATGAAAC-3'
Protein context (NP_000128.1, residues 152-172): WLHLPVGYHG[Arg162Cys]ASSVVVSGTP